The following is an entry in ClinVar:

ClinVar aggregate classification (germline): Uncertain significance (1 of 4 stars; one submission).

Submission:

Labcorp Genetics (formerly Invitae), Labcorp
Classification: Uncertain significance. Last evaluated: 2023-08-17. Review status: criteria provided, single submitter. Criteria: Invitae Variant Classification Sherloc (09022015). Collection method: clinical testing. Allele origin: germline.
Comment: This variant has not been reported in the literature in individuals affected with ADAMTS18-related conditions. ClinVar contains an entry for this variant (Variation ID: 2082476). An algorithm developed to predict the effect of missense changes on protein structure and function (PolyPhen-2) suggests that this variant is likely to be tolerated. In summary, the available evidence is currently insufficient to determine the role of this variant in disease. Therefore, it has been classified as a Variant of Uncertain Significance. This sequence change replaces glutamic acid, which is acidic and polar, with glutamine, which is neutral and polar, at codon 1107 of the ADAMTS18 protein (p.Glu1107Gln). This variant is not present in population databases (gnomAD no frequency).

NM_199355.4(ADAMTS18):c.3319G>C (p.Glu1107Gln)

Gene: ADAMTS18 (ADAM metallopeptidase with thrombospondin type 1 motif 18; minus strand). Cytogenetic location: 16q23.1.
Variant type: single nucleotide variant.
Coding change: c.3319G>C on transcript NM_199355.4 (MANE Select); coding-DNA position 3319, G replaced by C.
Protein change: p.Glu1107Gln; replaces glutamic acid 1107 with glutamine.
Molecular consequence: missense variant.
Genome position (GRCh38, 1-based): chr16:77,291,349, C>G on the plus strand (G>C on the coding strand, the complement: ADAMTS18 is on the minus strand). VCF-style: chr16-77291349-C-G. GRCh37 (hg19) VCF-style: chr16-77325246-C-G.
Other names: c.2803G>C, p.Glu935Gln (NM_001326358.2); short protein forms E1107Q, E935Q.
Identifiers: ClinVar variation 2082476 (VCV002082476.4), dbSNP rs2543574936, ClinGen allele CA396831958.
Genomic context (GRCh38, chr16:77,291,349, plus strand): 5'-ATCCAGCTACCATGTTGTACACTGGATGGGCTGGGCAAGCCCGTCGGTTGCAGGTCTCTT[C>G]CAAGTCCAGATTTGGTTTCTTAATATTACGGCATCTTCGCTCTGGGAAAGTTATCAGCTT-3'
Protein context (NP_955387.1, residues 1097-1117): RNIKKPNLDL[Glu1107Gln]ETCNRRACPA